The following is an entry in ClinVar:

NM_004171.4(SLC1A2):c.444G>A (p.Lys148=)

Gene: SLC1A2 (solute carrier family 1 member 2; minus strand). Cytogenetic location: 11p13.
Variant type: single nucleotide variant.
Coding change: c.444G>A on transcript NM_004171.4 (MANE Select); coding-DNA position 444, G replaced by A.
Protein change: p.Lys148=; no amino-acid change (lysine 148 retained).
Molecular consequence: synonymous variant.
Genome position (GRCh38, 1-based): chr11:35,312,315, C>T on the plus strand (G>A on the coding strand, the complement: SLC1A2 is on the minus strand). VCF-style: chr11-35312315-C-T. GRCh37 (hg19) VCF-style: chr11-35333862-C-T.
Other names: c.417G>A, p.Lys139= (NM_001195728.3, NM_001252652.2); c.444G>A (NM_004171.3).
Identifiers: ClinVar variation 1167574 (VCV001167574.12), dbSNP rs145257000, ClinGen allele CA5947314.

ClinVar aggregate classification (germline): Benign/Likely benign. Review status: criteria provided, multiple submitters, no conflicts (2 of 4 stars). 3 submissions from 3 submitters: Benign (1); Likely benign (1). 1 of the submissions does not count toward it. Last evaluated 2025-12-15.

Conditions:
SLC1A2-related disorder. Also called: SLC1A2-related condition.

Allele frequency attached by ClinVar (database versions not stated): gnomAD exomes 0.00010 and 0.00029; ExAC 0.00036; 1000 Genomes Project 0.00040; 1000 Genomes Project 30x 0.00047; ESP Exome Variant Server 0.00092; gnomAD 0.00113 and 0.00121; TOPMed 0.00124.
gnomAD v4.1: 327 of 1,614,130 alleles (0.02%); highest among the groups gnomAD compares: African/African-American, 0.37%; no homozygotes.

Submissions (3):

Labcorp Genetics (formerly Invitae), Labcorp
Classification: Benign. Last evaluated: 2025-12-15. Review status: criteria provided, single submitter. Criteria: Invitae Variant Classification Sherloc (09022015). Collection method: clinical testing. Allele origin: germline.

Blueprint Genetics
Classification: Likely benign. Last evaluated: 2024-08-15. Review status: criteria provided, single submitter. Criteria: ACMG Guidelines, 2015. Collection method: clinical testing. Allele origin: germline.

PreventionGenetics, part of Exact Sciences
Classification: Likely benign for SLC1A2-related condition. Last evaluated: 2021-09-30. Review status: no assertion criteria provided. Collection method: clinical testing. Allele origin: germline. Not counted in ClinVar's aggregate classification.
Comment: This variant is classified as likely benign based on ACMG/AMP sequence variant interpretation guidelines (Richards et al. 2015 PMID: 25741868, with internal and published modifications).